The following is an entry in ClinVar:

ClinVar aggregate classification (germline): Pathogenic/Likely pathogenic. Review status: criteria provided, multiple submitters, no conflicts (2 of 4 stars). 2 submissions from 2 submitters: Pathogenic (1); Likely pathogenic (1). Last evaluated 2023-05-02.

Conditions:
Craniofrontonasal syndrome (CFNS). Also called: CRANIOFRONTONASAL DYSOSTOSIS. Identifiers: Orphanet 1520, MedGen C0220767, MONDO:0010570, OMIM 304110.

Submissions (2):

Broad Center for Mendelian Genomics, Broad Institute of MIT and Harvard
Classification: Pathogenic for Craniofrontonasal syndrome. Last evaluated: 2023-05-02. Review status: criteria provided, single submitter. Criteria: ACMG Guidelines, 2015. Collection method: curation. Allele origin: germline. Inheritance: X-linked inheritance.
Comment: Trio exome analysis showed this variant to be de novo. The p.Pro34LeufsTer36 variant in EFNB1 has not been previously reported in individuals with craniofrontonasal dysplasia. This variant was absent from large population studies. This variant is predicted to cause a frameshift, which alters the protein‚Äôs amino acid sequence beginning at position 34 and leads to a premature termination codon 36 amino acids downstream. This alteration is then predicted to lead to a truncated or absent protein. Loss of function of the EFNB1 gene is an established disease mechanism in X-linked craniofrontonasal dysplasia. In summary, this variant meets criteria to be classified as pathogenic for X-linked craniofrontonasal dysplasia. ACMG/AMP Criteria applied: PVS1, PS2_Moderate, PM2_Supporting (Richards 2015).

Laboratorio de Genetica e Diagnostico Molecular, Hospital Israelita Albert Einstein
Classification: Likely pathogenic for Craniofrontonasal syndrome. Last evaluated: 2023-01-09. Review status: criteria provided, single submitter. Criteria: ACMG Guidelines, 2015. Collection method: clinical testing. Allele origin: germline. Affected: yes.
Comment: ACMG classification criteria: PVS1 strong, PM2 moderate

NM_004429.5(EFNB1):c.101_114del (p.Pro34fs)

Gene: EFNB1 (ephrin B1; plus strand). Cytogenetic location: Xq13.1.
Variant type: Deletion.
Coding change: c.101_114del on transcript NM_004429.5 (MANE Select); coding-DNA positions 101 to 114, 14 bases deleted (CCGTATCCTGGAGC).
Protein change: p.Pro34fs; shifts the reading frame from proline 34.
Molecular consequence: frameshift variant.
Genome position (GRCh38, 1-based): chrX:68,829,877-68,829,890, CCGTATCCTGGAGC deleted; deleting any 14 consecutive bases within chrX:68,829,869-68,829,890 gives the same sequence; the c. name uses the placement nearest the transcript's 3' end. VCF-style (leftmost placement, unchanged base first): chrX-68829868-ACCTGGAGCCCGTAT-A. GRCh37 (hg19) VCF-style: chrX-68049711-ACCTGGAGCCCGTAT-A.
Other names: NM_004429.5:c.101_114del; short protein forms P34fs.
Identifiers: ClinVar variation 2500937 (VCV002500937.2), dbSNP rs879255545, ClinGen allele CA2579984143.
Genomic context (GRCh38, chrX:68,829,868, plus strand): 5'-AGTGGCTTGTGGCGATGGTCGTGTGGGCGCTGTGCCGGCTCGCCACACCGCTGGCCAAGA[ACCTGGAGCCCGTAT>A]CCTGGAGCTCCCTCAACCCCAAGTGAGTAACTTATCTCCTCTGGACGCTGGGGTGGGAGG-3'